The following is an entry in ClinVar:

NM_000113.3(TOR1A):c.14_28dup (p.Gly9_Leu10insArgAlaValLeuGly)

Genes: TOR1A (torsin family 1 member A; minus strand), LOC130002772 (ATAC-STARR-seq lymphoblastoid active region 29122; plus strand). Cytogenetic location: 9q34.11.
Variant type: Duplication.
Coding change: c.14_28dup on transcript NM_000113.3 (MANE Select); coding-DNA positions 14 to 28, 15 bases duplicated (GGGCCGTGCTGGGCC).
Protein change: p.Gly9_Leu10insArgAlaValLeuGly.
Molecular consequence: inframe insertion.
Genome position (GRCh38, 1-based): chr9:129,824,058-129,824,072, GGCCCAGCACGGCCC duplicated on the plus strand (GGGCCGTGCTGGGCC on the coding strand, the reverse complement: TOR1A is on the minus strand); duplicating any 15 consecutive bases within chr9:129,824,058-129,824,080 gives the same sequence; the c. name uses the placement nearest the transcript's 3' end. VCF-style (leftmost placement, unchanged base first): chr9-129824057-A-AGGCCCAGCACGGCCC. GRCh37 (hg19) VCF-style: chr9-132586336-A-AGGCCCAGCACGGCCC.
Identifiers: ClinVar variation 4874685 (VCV004874685.2).

ClinVar aggregate classification (germline): Uncertain significance (1 of 4 stars; one submission).

Submission:

CeGaT Center for Human Genetics Tuebingen
Classification: Uncertain significance. Last evaluated: 2026-04-01. Review status: criteria provided, single submitter. Criteria: CeGaT Center For Human Genetics Tuebingen Variant Classification Criteria Version 2. Collection method: clinical testing. Allele origin: germline. Affected: yes. Observed: 1 variant allele.
Comment: TOR1A: PM2, PM4